The following is an entry in ClinVar:

NM_024685.4(BBS10):c.1386T>C (p.Asn462=)

Gene: BBS10 (Bardet-Biedl syndrome 10; minus strand). Cytogenetic location: 12q21.2.
Variant type: single nucleotide variant.
Coding change: c.1386T>C on transcript NM_024685.4 (MANE Select); coding-DNA position 1386, T replaced by C.
Protein change: p.Asn462=; no amino-acid change (asparagine 462 retained).
Molecular consequence: synonymous variant.
Genome position (GRCh38, 1-based): chr12:76,346,599, A>G on the plus strand (T>C on the coding strand, the complement: BBS10 is on the minus strand). VCF-style: chr12-76346599-A-G. GRCh37 (hg19) VCF-style: chr12-76740379-A-G.
Identifiers: ClinVar variation 4996314 (VCV004996314.1).

ClinVar aggregate classification (germline): Likely benign (1 of 4 stars; one submission).

Conditions:
BBS10-related disorder. Also called: BBS10-related condition.

Submission:

PreventionGenetics, part of Exact Sciences
Classification: Likely benign for BBS10-related condition. Last evaluated: 2026-09-24. Review status: criteria provided, single submitter. Criteria: ACMG Guidelines, 2015. Collection method: clinical testing. Allele origin: germline.
Comment: This variant is classified as likely benign based on ACMG/AMP sequence variant interpretation guidelines (Richards et al. 2015 PMID: 25741868, with internal and published modifications).